The following is an entry in ClinVar:

ClinVar aggregate classification (germline): Uncertain significance (1 of 4 stars; one submission).

Allele frequency attached by ClinVar (database versions not stated): TOPMed below 0.00001.

Submission:

Labcorp Genetics (formerly Invitae), Labcorp
Classification: Uncertain significance. Last evaluated: 2023-04-06. Review status: criteria provided, single submitter. Criteria: Invitae Variant Classification Sherloc (09022015). Collection method: clinical testing. Allele origin: germline.
Comment: This sequence change replaces proline, which is neutral and non-polar, with serine, which is neutral and polar, at codon 179 of the ALPK3 protein (p.Pro179Ser). This variant is not present in population databases (gnomAD no frequency). This variant has not been reported in the literature in individuals affected with ALPK3-related conditions. ClinVar contains an entry for this variant (Variation ID: 1481421). An algorithm developed to predict the effect of missense changes on protein structure and function (PolyPhen-2) suggests that this variant is likely to be tolerated. In summary, the available evidence is currently insufficient to determine the role of this variant in disease. Therefore, it has been classified as a Variant of Uncertain Significance.

NM_020778.5(ALPK3):c.-72C>T

Gene: ALPK3 (alpha kinase 3; plus strand). Cytogenetic location: 15q25.3.
Variant type: single nucleotide variant.
Coding change: c.-72C>T on transcript NM_020778.5 (MANE Select); 72 bases upstream of the start codon, C replaced by T.
Molecular consequence: 5 prime UTR variant.
Genome position (GRCh38, 1-based): chr15:84,817,381, C>T. VCF-style: chr15-84817381-C-T. GRCh37 (hg19) VCF-style: chr15-85360612-C-T.
Identifiers: ClinVar variation 1481421 (VCV001481421.6), dbSNP rs1201549017, ClinGen allele CA393369110.